The following is an entry in ClinVar:

NM_178857.6(RP1L1):c.4748C>T (p.Ala1583Val)

Gene: RP1L1 (RP1 like 1). Cytogenetic location: 8p23.1.
Variant type: single nucleotide variant.
Coding change: c.4748C>T on transcript NM_178857.6 (MANE Select); coding-DNA position 4748, C replaced by T.
Protein change: p.Ala1583Val; replaces alanine 1583 with valine.
Molecular consequence: missense variant.
Genome position (GRCh38, 1-based): chr8:10,609,350, G>A on the plus strand (C>T on the coding strand, the complement: RP1L1 is on the minus strand). VCF-style: chr8-10609350-G-A. GRCh37 (hg19) VCF-style: chr8-10466860-G-A.
Other names: short protein forms A1583V.
Identifiers: ClinVar variation 4981649 (VCV004981649.1).

ClinVar aggregate classification (germline): Uncertain significance (1 of 4 stars; one submission).

Conditions:
RP1L1-related disorder. Also called: RP1L1-related condition.

gnomAD v4.1: 63 of 1,612,234 alleles (0.0039%); highest among the groups gnomAD compares: South Asian, 0.015%; no homozygotes.

Submission:

PreventionGenetics, part of Exact Sciences
Classification: Uncertain significance for RP1L1-related condition. Last evaluated: 2026-03-24. Review status: criteria provided, single submitter. Criteria: ACMG Guidelines, 2015. Collection method: clinical testing. Allele origin: germline.
Comment: The RP1L1 c.4748C>T variant is predicted to result in the amino acid substitution p.Ala1583Val. To our knowledge, this variant has not been reported in the literature. This variant is reported in 0.023% of alleles in individuals of South Asian descent in gnomAD. At this time, the clinical significance of this variant is uncertain due to the absence of conclusive functional and genetic evidence.